The following is an entry in ClinVar:

NM_003384.3(VRK1):c.1159+1G>T

Gene: VRK1 (VRK serine/threonine kinase 1; plus strand). Cytogenetic location: 14q32.2.
Variant type: single nucleotide variant.
Coding change: c.1159+1G>T on transcript NM_003384.3 (MANE Select); the canonical splice donor site of the intron after coding-DNA position 1159, G replaced by T.
Molecular consequence: splice donor variant.
Genome position (GRCh38, 1-based): chr14:96,876,121, G>T. VCF-style: chr14-96876121-G-T. GRCh37 (hg19) VCF-style: chr14-97342458-G-T.
Other names: c.1159+1G>T (NM_001411051.1); c.1156+1G>T (NM_001411053.1).
Identifiers: ClinVar variation 4815114 (VCV004815114.1).
Genomic context (GRCh38, chr14:96,876,121, plus strand): 5'-AACCTGGTGTTGAAGATACGGAATGGTCAAACACACAGACAGAGGAGGCCATACAGACCC[G>T]TAAGTTGAACAGTTTTGCCTAGCTGCTTTCATAGGTAAACACAAATTTCATTTCCTCCCA-3'

ClinVar aggregate classification (germline): Pathogenic (1 of 4 stars; one submission).

Conditions:
Pontocerebellar hypoplasia type 1A (PCH1A). Also called: PONTOCEREBELLAR HYPOPLASIA WITH ANTERIOR HORN CELL DISEASE; PONTOCEREBELLAR HYPOPLASIA WITH INFANTILE SPINAL MUSCULAR ATROPHY. Identifiers: Orphanet 2254, Orphanet 88616, MedGen C1843504, MONDO:0011866, OMIM 607596.

Submission:

Natera, Inc.
Classification: Pathogenic for Pontocerebellar hypoplasia, type 1a. Last evaluated: 2024-10-14. Review status: criteria provided, single submitter. Criteria: Natera Variant Classification Schema (03/2026). Collection method: clinical testing. Allele origin: germline.
Comment: The c.1159+1G>T variant in VRK1 is a canonical splice donor site variant predicted to affect pre-mRNA splicing, which may result in an abnormal transcript and altered protein product. This variant is expected to result in nonsense mediated decay, truncation, or a dysfunctional protein product. This variant is rare in the general population with a frequency below the threshold expected for the associated phenotype(s). Another variant at this same site results in an alteration predicted to cause a similar molecular effect has been observed in individual(s) with the associated phenotype. Given the available evidence, this variant is classified as Pathogenic.